The following is an entry in ClinVar:

NM_205836.3(FBXO38):c.707C>A (p.Thr236Asn)

Gene: FBXO38 (F-box protein 38; plus strand). Cytogenetic location: 5q32.
Variant type: single nucleotide variant.
Coding change: c.707C>A on transcript NM_205836.3 (MANE Select); coding-DNA position 707, C replaced by A.
Protein change: p.Thr236Asn; replaces threonine 236 with asparagine.
Molecular consequence: missense variant.
Genome position (GRCh38, 1-based): chr5:148,404,799, C>A. VCF-style: chr5-148404799-C-A. GRCh37 (hg19) VCF-style: chr5-147784362-C-A.
Other names: c.707C>A, p.Thr236Asn (NM_001271723.2, NM_030793.5); short protein forms T236N.
Identifiers: ClinVar variation 837373 (VCV000837373.11), dbSNP rs370799682, ClinGen allele CA3497097.

ClinVar aggregate classification (germline): Uncertain significance (1 of 4 stars; one submission).

Conditions:
Distal hereditary motor neuropathy type 2. Identifiers: Orphanet 139525, MedGen C3711384, MeSH C580044, MONDO:0015352.

Allele frequency attached by ClinVar (database versions not stated): TOPMed 0.00002; gnomAD 0.00003; gnomAD exomes 0.00003 and 0.00004; ExAC 0.00004; ESP Exome Variant Server 0.00008.
gnomAD v4.1: 45 of 1,606,780 alleles (0.0028%); highest among the groups gnomAD compares: South Asian, 0.0011%; no homozygotes.

Submission:

Labcorp Genetics (formerly Invitae), Labcorp
Classification: Uncertain significance for Distal hereditary motor neuropathy type 2. Last evaluated: 2026-02-03. Review status: criteria provided, single submitter. Criteria: Invitae Variant Classification Sherloc (09022015). Collection method: clinical testing. Allele origin: germline.
Comment: This sequence change replaces threonine, which is neutral and polar, with asparagine, which is neutral and polar, at codon 236 of the FBXO38 protein (p.Thr236Asn). This variant is present in population databases (rs370799682, gnomAD 0.08%). This variant has not been reported in the literature in individuals affected with FBXO38-related conditions. ClinVar contains an entry for this variant (Variation ID: 837373). Invitae Evidence Modeling of protein sequence and biophysical properties (such as structural, functional, and spatial information, amino acid conservation, physicochemical variation, residue mobility, and thermodynamic stability) has been performed for this missense variant. However, the output from this modeling did not meet the statistical confidence thresholds required to predict the impact of this variant on FBXO38 protein function. In summary, the available evidence is currently insufficient to determine the role of this variant in disease. Therefore, it has been classified as a Variant of Uncertain Significance.